The following is an entry in ClinVar:

NM_017570.5(OPLAH):c.2987dup (p.Arg997fs)

Gene: OPLAH (5-oxoprolinase, ATP-hydrolysing; minus strand). Cytogenetic location: 8q24.3.
Variant type: Duplication.
Coding change: c.2987dup on transcript NM_017570.5 (MANE Select); coding-DNA position 2987, one base duplicated (T; older notation c.2987dupT).
Protein change: p.Arg997fs; shifts the reading frame from arginine 997.
Molecular consequence: frameshift variant.
Genome position (GRCh38, 1-based): chr8:144,053,014, A duplicated on the plus strand (T on the coding strand, the reverse complement: OPLAH is on the minus strand). VCF-style (leftmost placement, unchanged base first): chr8-144053013-G-GA. GRCh37 (hg19) VCF-style: chr8-145107916-G-GA.
Other names: short protein forms R997fs.
Identifiers: ClinVar variation 955289 (VCV000955289.8), dbSNP rs781818673, ClinGen allele CA4931269.

ClinVar aggregate classification (germline): Pathogenic (1 of 4 stars; one submission).

Conditions:
5-Oxoprolinase deficiency (OPLAHD). Also called: 5-OXOPROLINURIA DUE TO 5-OXOPROLINASE DEFICIENCY. Identifiers: Orphanet 33572, MedGen C0268525, MONDO:0009825, OMIM 260005, HP:0040142.

Allele frequency attached by ClinVar (database versions not stated): gnomAD exomes below 0.00001; TOPMed below 0.00001; ExAC 0.00002.

Submission:

Labcorp Genetics (formerly Invitae), Labcorp
Classification: Pathogenic for 5-Oxoprolinase deficiency. Last evaluated: 2022-02-01. Review status: criteria provided, single submitter. Criteria: Invitae Variant Classification Sherloc (09022015). Collection method: clinical testing. Allele origin: germline.
Comment: For these reasons, this variant has been classified as Pathogenic. ClinVar contains an entry for this variant (Variation ID: 955289). This variant has not been reported in the literature in individuals affected with OPLAH-related conditions. The frequency data for this variant in the population databases is considered unreliable, as metrics indicate poor data quality at this position in the gnomAD database. This sequence change creates a premature translational stop signal (p.Arg997Profs*16) in the OPLAH gene. It is expected to result in an absent or disrupted protein product. Loss-of-function variants in OPLAH are known to be pathogenic (PMID: 21651516, 27477828).

Literature cited by the submitters: PubMed 21651516; PubMed 27477828.